The following is an entry in ClinVar:

ClinVar aggregate classification (germline): Pathogenic (1 of 4 stars; one submission).

Conditions:
Oculocutaneous albinism type 1. Also called: Albinism 1; ALBINISM I. Identifiers: Orphanet 352731, MedGen C0268494, MONDO:0018135. Disease mechanism: loss of function.

Submission:

Department of Clinical Genetics, Copenhagen University Hospital, Rigshospitalet
Classification: Pathogenic for Oculocutaneous albinism type 1. Last evaluated: 2025-05-23. Review status: criteria provided, single submitter. Criteria: ACMG Guidelines, 2015. Collection method: clinical testing. Allele origin: germline.
Comment: The following ACMG criteria has been used: PVS1, PM2_sup, PM3

NM_000372.5(TYR):c.38del (p.Phe13fs)

Gene: TYR (tyrosinase; plus strand). Cytogenetic location: 11q14.3.
Variant type: Deletion.
Coding change: c.38del on transcript NM_000372.5 (MANE Select); coding-DNA position 38, one base deleted (T; older notation c.38delT).
Protein change: p.Phe13fs; shifts the reading frame from phenylalanine 13.
Molecular consequence: frameshift variant.
Genome position (GRCh38, 1-based): chr11:89,177,991, T deleted; the last of 3 consecutive T bases (chr11:89,177,989-89,177,991); deleting any one gives the same sequence. VCF-style (leftmost placement, unchanged base first): chr11-89177988-GT-G. GRCh37 (hg19) VCF-style: chr11-88911156-GT-G.
Other names: c.38delT (NM_000372.5); short protein forms F13fs.
Identifiers: ClinVar variation 4073707 (VCV004073707.1).